The following is an entry in ClinVar:

ClinVar aggregate classification (germline): Uncertain significance (1 of 4 stars; one submission).

Conditions:
Von Hippel-Lindau syndrome (VHLS). Also called: Von Hippel-Lindau; von Hippel–Lindau syndrome; VHL syndrome. Identifiers: Orphanet 892, MedGen C0019562, MONDO:0008667, OMIM 193300. Disease mechanism: loss of function.
Chuvash polycythemia. Also called: POLYCYTHEMIA, VHL-DEPENDENT. Identifiers: Orphanet 238557, MedGen C1837915, MONDO:0009892, OMIM 263400.

Submission:

Labcorp Genetics (formerly Invitae), Labcorp
Classification: Uncertain significance for Von Hippel-Lindau syndrome; Chuvash polycythemia. Last evaluated: 2025-12-20. Review status: criteria provided, single submitter. Criteria: Invitae Variant Classification Sherloc (09022015). Collection method: clinical testing. Allele origin: germline.
Comment: This sequence change falls in intron 1 of the VHL gene. It is not expected to change the encoded amino acid sequence of the VHL protein. However, this sequence change falls within a cryptic exon in the VHL gene, known as exon E1’, which is naturally expressed at low levels in several human tissues (PMID: 29891534). This variant is not present in population databases (gnomAD no frequency). This variant has not been reported in the literature in individuals affected with VHL-related conditions. ClinVar contains an entry for this variant (Variation ID: 1041869). Experimental studies and prediction algorithms are not available or were not evaluated, and the functional significance of this variant is currently unknown. Algorithms developed to predict the effect of sequence changes on RNA splicing suggest that this variant is not likely to affect RNA splicing. In summary, the available evidence is currently insufficient to determine the role of this variant in disease. Therefore, it has been classified as a Variant of Uncertain Significance.

Literature cited by the submitters: PubMed 29891534.

NM_000551.4(VHL):c.340+692G>C

Genes: VHL (von Hippel-Lindau tumor suppressor; plus strand), LOC107303340 (3p25 von Hippel-Lindau tumor suppressor, E3 ubiquitin protein ligase Alu-mediated recombination region; plus strand). Cytogenetic location: 3p25.3.
Variant type: single nucleotide variant.
Coding change: c.340+692G>C on transcript NM_000551.4 (MANE Select); 692 bases into the intron after coding-DNA position 340, G replaced by C.
Molecular consequence: intron variant. On other transcripts: missense variant (1).
Genome position (GRCh38, 1-based): chr3:10,142,879, G>C. VCF-style: chr3-10142879-G-C. GRCh37 (hg19) VCF-style: chr3-10184563-G-C.
Other names: c.457G>C, p.Gly153Arg (NM_001354723.2); c.340+692G>C (NM_198156.3); short protein forms G153R.
Identifiers: ClinVar variation 1041869 (VCV001041869.9), dbSNP rs943884473, ClinGen allele CA1345067323.